The following is an entry in ClinVar:

NM_004656.4(BAP1):c.1763C>T (p.Pro588Leu)

Gene: BAP1 (BRCA1 associated deubiquitinase 1; minus strand). Cytogenetic location: 3p21.1.
Variant type: single nucleotide variant.
Coding change: c.1763C>T on transcript NM_004656.4 (MANE Select); coding-DNA position 1763, C replaced by T.
Protein change: p.Pro588Leu; replaces proline 588 with leucine.
Molecular consequence: missense variant.
Genome position (GRCh38, 1-based): chr3:52,403,265, G>A on the plus strand (C>T on the coding strand, the complement: BAP1 is on the minus strand). VCF-style: chr3-52403265-G-A. GRCh37 (hg19) VCF-style: chr3-52437281-G-A.
Other names: c.1763C>T (NM_004656.2); short protein forms P588L.
Identifiers: ClinVar variation 842663 (VCV000842663.10), dbSNP rs780338105, ClinGen allele CA353099088.

ClinVar aggregate classification (germline): Uncertain significance. Review status: criteria provided, multiple submitters, no conflicts (2 of 4 stars). 4 submissions from 4 submitters: Uncertain significance (4). Last evaluated 2025-10-03.

Conditions:
BAP1-related tumor predisposition syndrome (TPDS1). Also called: BAP1 tumor predisposition syndrome; Tumor susceptibility linked to germline BAP1 mutations; COMMON Syndrome; TUMOR PREDISPOSITION SYNDROME 1. Identifiers: Orphanet 289539, MedGen C3280492, MONDO:0013692, OMIM 614327.
Hereditary cancer-predisposing syndrome. Also called: Hereditary Cancer Syndrome; Hereditary neoplastic syndrome; Tumor predisposition; Neoplastic Syndromes, Hereditary. Identifiers: Orphanet 140162, MedGen C0027672, MeSH D009386, MONDO:0015356.

Submissions (4):

Labcorp Genetics (formerly Invitae), Labcorp
Classification: Uncertain significance for BAP1-related tumor predisposition syndrome. Last evaluated: 2025-10-03. Review status: criteria provided, single submitter. Criteria: Invitae Variant Classification Sherloc (09022015). Collection method: clinical testing. Allele origin: germline.
Comment: This sequence change replaces proline, which is neutral and non-polar, with leucine, which is neutral and non-polar, at codon 588 of the BAP1 protein (p.Pro588Leu). This variant is not present in population databases (gnomAD no frequency). This variant has not been reported in the literature in individuals affected with BAP1-related conditions. ClinVar contains an entry for this variant (Variation ID: 842663). Invitae Evidence Modeling of protein sequence and biophysical properties (such as structural, functional, and spatial information, amino acid conservation, physicochemical variation, residue mobility, and thermodynamic stability) indicates that this missense variant is not expected to disrupt BAP1 protein function with a negative predictive value of 80%. In summary, the available evidence is currently insufficient to determine the role of this variant in disease. Therefore, it has been classified as a Variant of Uncertain Significance.

Color Diagnostics, LLC DBA Color Health
Classification: Uncertain significance for Hereditary cancer-predisposing syndrome. Last evaluated: 2024-06-12. Review status: criteria provided, single submitter. Criteria: ACMG Guidelines, 2015. Collection method: clinical testing. Allele origin: germline.
Comment: This missense variant replaces proline with leucine at codon 588 of the BAP1 protein. Computational prediction suggests that this variant may not impact protein structure and function (internally defined REVEL score threshold <= 0.5, PMID: 27666373). To our knowledge, functional studies have not been reported for this variant. This variant has not been reported in individuals affected with BAP1-related disorders in the literature. This variant has not been identified in the general population by the Genome Aggregation Database (gnomAD). The available evidence is insufficient to determine the role of this variant in disease conclusively. Therefore, this variant is classified as a Variant of Uncertain Significance.

Ambry Genetics
Classification: Uncertain significance for Hereditary cancer-predisposing syndrome. Last evaluated: 2024-03-20. Review status: criteria provided, single submitter. Criteria: Ambry Variant Classification Scheme 2023. Collection method: clinical testing. Allele origin: germline.
Comment: The p.P588L variant (also known as c.1763C>T), located in coding exon 14 of the BAP1 gene, results from a C to T substitution at nucleotide position 1763. The proline at codon 588 is replaced by leucine, an amino acid with similar properties. This amino acid position is conserved. In addition, this alteration is predicted to be tolerated by in silico analysis. Based on the available evidence, the clinical significance of this alteration remains unclear.

Baylor Genetics
Classification: Uncertain significance for BAP1-related tumor predisposition syndrome. Last evaluated: 2024-02-28. Review status: criteria provided, single submitter. Criteria: ACMG Guidelines, 2015. Collection method: clinical testing. Allele origin: unknown.